The following is an entry in ClinVar:

NM_002471.4(MYH6):c.345+18A>G

Genes: MYH6 (myosin heavy chain 6; minus strand), LOC114827851 (VISTA enhancer hs2155; plus strand). Cytogenetic location: 14q11.2.
Variant type: single nucleotide variant.
Coding change: c.345+18A>G on transcript NM_002471.4 (MANE Select); 18 bases into the intron after coding-DNA position 345, A replaced by G.
Molecular consequence: intron variant.
Genome position (GRCh38, 1-based): chr14:23,405,609, T>C on the plus strand (A>G on the coding strand, the complement: MYH6 is on the minus strand). VCF-style: chr14-23405609-T-C. GRCh37 (hg19) VCF-style: chr14-23874818-T-C.
Identifiers: ClinVar variation 681442 (VCV000681442.6), dbSNP rs781746086, ClinGen allele CA7116200.
Genomic context (GRCh38, chr14:23,405,609, plus strand): 5'-TTCTTGGGAGAGCCCCCCTGGCTTATTTAGGCCTCCACGCAGCACAGGAAGCCTCTGCAG[T>C]GTGCAGGAGCCACTCACATATATCATCCAGGCCGCGTAGCGCTCCTTGAGGTTGAAAAGC-3'

ClinVar aggregate classification (germline): Likely benign. Review status: criteria provided, multiple submitters, no conflicts (2 of 4 stars). 3 submissions from 3 submitters: Likely benign (3). Last evaluated 2025-10-26.

Conditions:
Hypertrophic cardiomyopathy 14. Identifiers: MedGen C2750467, MONDO:0013197, OMIM 613251.

Allele frequency attached by ClinVar (database versions not stated): ExAC 0.00002; TOPMed 0.00002; gnomAD 0.00003 and 0.00004; gnomAD exomes 0.00003 and 0.00006.

Submissions (3):

Labcorp Genetics (formerly Invitae), Labcorp
Classification: Likely benign for Hypertrophic cardiomyopathy 14. Last evaluated: 2025-10-26. Review status: criteria provided, single submitter. Criteria: Invitae Variant Classification Sherloc (09022015). Collection method: clinical testing. Allele origin: germline.

Blueprint Genetics
Classification: Likely benign. Last evaluated: 2024-05-17. Review status: criteria provided, single submitter. Criteria: ACMG Guidelines, 2015. Collection method: clinical testing. Allele origin: germline.

GeneDx
Classification: Likely benign. Last evaluated: 2018-04-03. Review status: criteria provided, single submitter. Criteria: GeneDx Variant Classification (06012015). Collection method: clinical testing. Allele origin: germline. Affected: yes.
Comment: This variant is considered likely benign or benign based on one or more of the following criteria: it is a conservative change, it occurs at a poorly conserved position in the protein, it is predicted to be benign by multiple in silico algorithms, and/or has population frequency not consistent with disease.